The following is an entry in ClinVar:

ClinVar aggregate classification (germline): Uncertain significance (1 of 4 stars; one submission).

Conditions:
Inborn genetic diseases. Identifiers: MedGen C0950123, MeSH D030342.

Submission:

Ambry Genetics
Classification: Uncertain significance for Inborn genetic diseases. Last evaluated: 2026-03-03. Review status: criteria provided, single submitter. Criteria: Ambry Variant Classification Scheme 2023. Collection method: clinical testing. Allele origin: germline.
Comment: The c.4862A>G (p.K1621R) alteration is located in exon 22 (coding exon 22) of the SHANK3 gene. This alteration results from a A to G substitution at nucleotide position 4862, causing the lysine (K) at amino acid position 1621 to be replaced by an arginine (R). Based on data from gnomAD, the G allele has an overall frequency of 0.004% (1/27928) total alleles studied. The highest observed frequency was 0.007% (1/14336) of European (non-Finnish) alleles. Based on insufficient or conflicting evidence, the clinical significance of this alteration remains unclear.

NM_033517.1:c.4862A>G

Gene: SHANK3 (SH3 and multiple ankyrin repeat domains 3; plus strand).
Variant type: single nucleotide variant.
Other names: c.4862A>G (NM_033517.1).
Identifiers: ClinVar variation 4840961 (VCV004840961.1).